The following is an entry in ClinVar:

NM_000257.4(MYH7):c.2360G>A (p.Arg787His)

Genes: MYH7 (myosin heavy chain 7; minus strand), LOC126861898 (BRD4-independent group 4 enhancer GRCh37_chr14:23893609-23894808; plus strand). Cytogenetic location: 14q11.2.
Variant type: single nucleotide variant.
Coding change: c.2360G>A on transcript NM_000257.4 (MANE Select); coding-DNA position 2360, G replaced by A.
Protein change: p.Arg787His; replaces arginine 787 with histidine.
Molecular consequence: missense variant.
Genome position (GRCh38, 1-based): chr14:23,425,345, C>T on the plus strand (G>A on the coding strand, the complement: MYH7 is on the minus strand). VCF-style: chr14-23425345-C-T. GRCh37 (hg19) VCF-style: chr14-23894554-C-T.
Other names: NM_000257.3(MYH7):c.2360G>A; short protein forms R787H.
Identifiers: ClinVar variation 42900 (VCV000042900.52), dbSNP rs376754645, ClinGen allele CA012239.

ClinVar aggregate classification (germline): Benign. Review status: reviewed by expert panel (3 of 4 stars). 24 submissions from 21 submitters: Benign (1). 23 of the submissions do not count toward it. Last evaluated 2025-11-14.

Conditions:
Myosin storage myopathy (CMYO7A). Also called: Scapuloperoneal myopathy, MYH7-related; SCAPULOPERONEAL MUSCULAR DYSTROPHY; SCAPULOPERONEAL SYNDROME, MYOPATHIC TYPE; MYH7-related late-onset scapuloperoneal muscular dystrophy; Congenital myopathy 7A, myosin storage, autosomal dominant; MYOPATHY, HYALINE BODY, AUTOSOMAL DOMINANT. Identifiers: Orphanet 437572, Orphanet 636965, MedGen C1842160, MONDO:0008409, OMIM 608358.
MYH7-related disorder. Also called: MYH7-related condition; MYH7-related disease; MYH7-related disorders.
Cardiovascular phenotype. Identifiers: MedGen CN230736.
Cardiomyopathy (CMYO). Also called: Cardiomyopathies. Identifiers: Orphanet 167848, MedGen C0878544, MONDO:0004994, HP:0001638. Inheritance: Various modes of inheritance.
Dilated cardiomyopathy 1S (CMD1S). Identifiers: Orphanet 154, Orphanet 54260, MedGen C1834481, MONDO:0013262, OMIM 613426.
Hypertrophic cardiomyopathy 1 (CMH1). Also called: Familial hypertrophic cardiomyopathy 1; MYH7-Related Familial Hypertrophic Cardiomyopathy. Identifiers: MedGen C3495498, MONDO:0008647, OMIM 192600.
MYH7-related skeletal myopathy. Also called: Myopathy, distal, 1; MYOPATHY, DISTAL, EARLY-ONSET, AUTOSOMAL DOMINANT; MYOPATHY, LATE DISTAL HEREDITARY; Laing distal myopathy; Laing early-onset distal myopathy. Identifiers: Orphanet 59135, MedGen C4552004, MONDO:0008050, OMIM 160500.
Primary familial hypertrophic cardiomyopathy (HCM). Identifiers: Orphanet 99739, MedGen C0949658, MeSH D024741, MONDO:0024573. Inheritance: Various modes of inheritance.
Hypertrophic cardiomyopathy. Also called: HYPERTROPHIC MYOCARDIOPATHY. Identifiers: Orphanet 217569, MedGen C0007194, MeSH D002312, MONDO:0005045, HP:0001639.

Allele frequency attached by ClinVar (database versions not stated): gnomAD exomes 0.00020 and 0.00018; ExAC 0.00022; gnomAD 0.00006 and 0.00008; TOPMed 0.00007; ESP Exome Variant Server 0.00008; 1000 Genomes Project 30x 0.00016; 1000 Genomes Project 0.00020.
gnomAD v4.1: 274 of 1,614,128 alleles (0.017%); highest among the groups gnomAD compares: South Asian, 0.22%; 1 homozygote.

Submissions 1 to 13 of 24:

ClinGen Cardiomyopathy Variant Curation Expert Panel
Classification: Benign for Hypertrophic cardiomyopathy. Last evaluated: 2025-11-14. Review status: reviewed by expert panel. Criteria: ClinGen CMP ACMG Specifications MYH7 V2.0.0. Collection method: curation. Allele origin: germline. Inheritance: Autosomal dominant inheritance.
Comment: NM_000257.4(MYH7):c.2360G>A (p.Arg787His).This variant has been identified in 0.2% (FAF 95% CI; 200/91078) of South Asian chromosomes, including 1 homozygote, in gnomAD v4.1.0 (BA1). Additionally, this variant has been identified in multiple affected individuals with other pathogenic variants (BP2; summarized in ClinVar ID: 42900) and was shown not to segregate with disease in 2 affected individuals from 2 families (BS4; Oxford Medical Genetics Laboratory (OMGL)). This variant lies in a region of the protein where variants are statistically more likely to be disease-associated (PM1_Strength; Walsh 2019 PMID: 30696458). This is not considered to be in conflict with BA1 since benign variation within this region was considered during that analysis. In summary, this variant meets criteria to be is classified as benign for hypertrophic cardiomyopathy in an autosomal dominant manner based on BA1, BP2, BS4 and PM1.

PreventionGenetics, part of Exact Sciences
Classification: Likely benign for MYH7-related condition. Last evaluated: 2026-06-17. Review status: criteria provided, single submitter. Criteria: ACMG Guidelines, 2015. Collection method: clinical testing. Allele origin: germline. Not counted in ClinVar's aggregate classification.
Comment: This variant is classified as likely benign based on ACMG/AMP sequence variant interpretation guidelines (Richards et al. 2015 PMID: 25741868, with internal and published modifications).

Labcorp Genetics (formerly Invitae), Labcorp
Classification: Likely benign for Hypertrophic cardiomyopathy. Last evaluated: 2026-02-01. Review status: criteria provided, single submitter. Criteria: Invitae Variant Classification Sherloc (09022015). Collection method: clinical testing. Allele origin: germline. Not counted in ClinVar's aggregate classification.

Blueprint Genetics
Classification: Likely benign. Last evaluated: 2024-10-18. Review status: criteria provided, single submitter. Criteria: ACMG Guidelines, 2015. Collection method: clinical testing. Allele origin: germline. Not counted in ClinVar's aggregate classification.

Mendelics
Classification: Benign for Hypertrophic cardiomyopathy 1. Last evaluated: 2023-08-22. Review status: criteria provided, single submitter. Criteria: Mendelics Assertion Criteria 2019. Collection method: clinical testing. Allele origin: germline. Not counted in ClinVar's aggregate classification.

Revvity Omics, Revvity
Classification: Likely benign. Last evaluated: 2022-12-21. Review status: criteria provided, single submitter. Criteria: ACMG Guidelines, 2015. Collection method: clinical testing. Allele origin: germline. Not counted in ClinVar's aggregate classification.

Ambry Genetics
Classification: Likely benign for Cardiovascular phenotype. Last evaluated: 2022-06-09. Review status: criteria provided, single submitter. Criteria: Ambry Variant Classification Scheme 2023. Collection method: clinical testing. Allele origin: germline. Not counted in ClinVar's aggregate classification.

GeneDx
Classification: Likely benign. Last evaluated: 2021-02-04. Review status: criteria provided, single submitter. Criteria: GeneDx Variant Classification Process June 2021. Collection method: clinical testing. Allele origin: germline. Affected: yes. Not counted in ClinVar's aggregate classification.
Comment: This variant is associated with the following publications: (PMID: 17125710, 29343710, 20086309, 12707239, 31006259, 20664766, 20433692, 21959974, 22957257, 23299917, 25228707, 25637381, 27247418, 28518168, 30731207, 29300372, 30847666, 31638223)

CHEO Genetics Diagnostic Laboratory, Children's Hospital of Eastern Ontario
Classification: Likely benign for Cardiomyopathy. Last evaluated: 2020-10-19. Review status: criteria provided, single submitter. Criteria: ACMG Guidelines, 2015. Collection method: clinical testing. Allele origin: germline. Not counted in ClinVar's aggregate classification.

Women's Health and Genetics/Laboratory Corporation of America, LabCorp
Classification: Uncertain significance. Last evaluated: 2019-07-15. Review status: criteria provided, single submitter. Criteria: LabCorp Variant Classification Summary - May 2015. Collection method: clinical testing. Allele origin: germline. Not counted in ClinVar's aggregate classification.
Comment: Variant summary: MYH7 c.2360G>A (p.Arg787His) results in a non-conservative amino acid change located in the Myosin head, motor domain of the encoded protein sequence. Three of five in-silico tools predict a benign effect of the variant on protein function. The variant allele was found at a frequency of 0.0002 in 251472 control chromosomes, predominantly at a frequency of 0.0013 within the South Asian subpopulation in the gnomAD database. The observed variant frequency within South Asian control individuals in the gnomAD database is approximately 1.039 fold of the estimated maximal expected allele frequency for a pathogenic variant in MYH7 causing Cardiomyopathy phenotype (0.0013), suggesting that the variant is a benign polymorphism found primarily in populations of South Asian origin. c.2360G>A has been reported in the literature in multiple individuals affected with Cardiomyopathy. However, the variant has also been observed in multiple families that showed lack of cosegregation with disease including unaffected individuals with the variant and affected individuals without the variant (Purushotham_2010, Laredo_2006). In addition, the variant has been observed to co-occur with other pathogenic variants, MYBPC3 c.3641G>A, p.W1214X; MYH7, I736T), providing supporting evidence for a benign role. A functional study, Sequeira_2013, indicates the variant to have higher Ca 2+ sensitivity and low phosphorylation of protein kinase A targets compared to donors, along with length-dependent activation being significantly smaller. Ten ClinVar submissions (evaluation after 2014) cite the variant five times as likely benign, while five other submissions including the expert panel, ClinGen, cite the variant as uncertain signfiicance. In addition, another variant affecting the same codon, R787C, has been reported in affected individuals suggesting the location could be important for protein function. Based on the evidence outlined above, the variant was classified as uncertain significance.

Color Diagnostics, LLC DBA Color Health
Classification: Likely benign for Cardiomyopathy. Last evaluated: 2018-10-05. Review status: criteria provided, single submitter. Criteria: ACMG Guidelines, 2015. Collection method: clinical testing. Allele origin: germline. Not counted in ClinVar's aggregate classification.

Molecular Diagnostic Laboratory for Inherited Cardiovascular Disease, Montreal Heart Institute
Classification: Uncertain significance for Primary familial hypertrophic cardiomyopathy. Last evaluated: 2017-06-27. Review status: criteria provided, single submitter. Criteria: ACMG Guidelines, 2015. Collection method: clinical testing. Allele origin: germline. Affected: yes. Not counted in ClinVar's aggregate classification.

Illumina Laboratory Services, Illumina
Classification: Likely benign for Dilated cardiomyopathy 1S. Last evaluated: 2017-04-27. Review status: criteria provided, single submitter. Criteria: ICSL Variant Classification Criteria 13 December 2019. Collection method: clinical testing. Allele origin: germline. Not counted in ClinVar's aggregate classification.
Comment: This variant was observed as part of a predisposition screen in an ostensibly healthy population. A literature search was performed for the gene, cDNA change, and amino acid change (where applicable). Publications were found based on this search. The evidence from the literature, in combination with allele frequency data from public databases where available, was sufficient to determine this variant is unlikely to cause disease. Therefore, this variant is classified as likely benign.